The following is an entry in ClinVar:

NM_144991.3(TSPEAR):c.167C>T (p.Ala56Val)

Gene: TSPEAR (thrombospondin type laminin G domain and EAR repeats; minus strand). Cytogenetic location: 21q22.3.
Variant type: single nucleotide variant.
Coding change: c.167C>T on transcript NM_144991.3 (MANE Select); coding-DNA position 167, C replaced by T.
Protein change: p.Ala56Val; replaces alanine 56 with valine.
Molecular consequence: missense variant. On other transcripts: 5 prime UTR variant (1).
Genome position (GRCh38, 1-based): chr21:44,567,921, G>A on the plus strand (C>T on the coding strand, the complement: TSPEAR is on the minus strand). VCF-style: chr21-44567921-G-A. GRCh37 (hg19) VCF-style: chr21-45987805-G-A.
Other names: c.-38C>T (NM_001272037.2); short protein forms A56V.
Identifiers: ClinVar variation 1216396 (VCV001216396.5), dbSNP rs782650688, ClinGen allele CA10058075.

ClinVar aggregate classification (germline): Conflicting classifications of pathogenicity. Review status: criteria provided, conflicting classifications (1 of 4 stars). 3 submissions from 3 submitters: Uncertain significance (2); Likely benign (1). Last evaluated 2026-09-05.

Conditions:
Inborn genetic diseases. Identifiers: MedGen C0950123, MeSH D030342.
TSPEAR-related disorder. Also called: TSPEAR-related condition.

Allele frequency attached by ClinVar (database versions not stated): ExAC 0.00003; gnomAD exomes 0.00004 and 0.00010; gnomAD 0.00006 and 0.00007; TOPMed 0.00006.
gnomAD v4.1: 149 of 1,605,478 alleles (0.0093%); highest among the groups gnomAD compares: Non-Finnish European, 0.012%; no homozygotes.

Submissions (3):

PreventionGenetics, part of Exact Sciences
Classification: Uncertain significance for TSPEAR-related condition. Last evaluated: 2026-09-05. Review status: criteria provided, single submitter. Criteria: ACMG Guidelines, 2015. Collection method: clinical testing. Allele origin: germline.
Comment: The TSPEAR c.167C>T variant is predicted to result in the amino acid substitution p.Ala56Val. To our knowledge, this variant has not been reported in the literature. This variant is reported in 0.0094% of alleles in individuals of European (Non-Finnish) descent in gnomAD. At this time, the clinical significance of this variant is uncertain due to the absence of conclusive functional and genetic evidence.

Ambry Genetics
Classification: Likely benign for Inborn genetic diseases. Last evaluated: 2024-03-11. Review status: criteria provided, single submitter. Criteria: Ambry Variant Classification Scheme 2023. Collection method: clinical testing. Allele origin: germline.

GeneDx
Classification: Uncertain significance. Last evaluated: 2019-05-01. Review status: criteria provided, single submitter. Criteria: GeneDx Variant Classification Process June 2021. Collection method: clinical testing. Allele origin: germline. Affected: yes.
Comment: In silico analysis, which includes protein predictors and evolutionary conservation, supports that this variant does not alter protein structure/function; Has not been previously published as pathogenic or benign to our knowledge